The following is an entry in ClinVar:

NM_001243279.3(ACSF3):c.1400G>A (p.Trp467Ter)

Gene: ACSF3 (acyl-CoA synthetase family member 3; plus strand). Cytogenetic location: 16q24.3.
Variant type: single nucleotide variant.
Coding change: c.1400G>A on transcript NM_001243279.3 (MANE Select); coding-DNA position 1400, G replaced by A.
Protein change: p.Trp467Ter; replaces tryptophan 467 with a stop codon.
Molecular consequence: nonsense. On other transcripts: non-coding transcript variant (4).
Genome position (GRCh38, 1-based): chr16:89,145,300, G>A. VCF-style: chr16-89145300-G-A. GRCh37 (hg19) VCF-style: chr16-89211708-G-A.
Other names: c.1400G>A, p.Trp467Ter (NM_001127214.4, NM_174917.5); c.605G>A, p.Trp202Ter (NM_001284316.2); c.1400G>A (NM_174917.4); short protein forms W202*, W467*.
Identifiers: ClinVar variation 2848439 (VCV002848439.6), dbSNP rs2543861257, ClinGen allele CA397148066.

ClinVar aggregate classification (germline): Pathogenic/Likely pathogenic. Review status: criteria provided, multiple submitters, no conflicts (2 of 4 stars). 3 submissions from 3 submitters: Pathogenic (1); Likely pathogenic (2). Last evaluated 2025-02-20.

Conditions:
Combined malonic and methylmalonic acidemia. Identifiers: Orphanet 289504, MedGen C3280314, MONDO:0013661, OMIM 614265.

Submissions (3):

Natera, Inc.
Classification: Likely pathogenic for Combined malonic and methylmalonic aciduria. Last evaluated: 2025-02-20. Review status: criteria provided, single submitter. Criteria: Natera Variant Classification Schema (03/2026). Collection method: clinical testing. Allele origin: germline.
Comment: The c.1400G>A variant in ACSF3 is a nonsense variant predicted to introduce a stop codon at amino acid 467. This variant is expected to result in nonsense mediated decay, truncation, or a dysfunctional protein product. This variant is rare in the general population with a frequency below the threshold expected for the associated phenotype(s). Given the available evidence, this variant is classified as Likely Pathogenic.

First Genomix Gene Laboratory, Genetic Diagnostics Department
Classification: Likely pathogenic for Combined malonic and methylmalonic acidemia. Last evaluated: 2025-01-08. Review status: criteria provided, single submitter. Criteria: ACMG Guidelines, 2015. Collection method: clinical testing. Allele origin: germline. Inheritance: Autosomal recessive inheritance. Affected: no. Observed: 1 variant allele.

Labcorp Genetics (formerly Invitae), Labcorp
Classification: Pathogenic for Combined malonic and methylmalonic acidemia. Last evaluated: 2023-07-16. Review status: criteria provided, single submitter. Criteria: Invitae Variant Classification Sherloc (09022015). Collection method: clinical testing. Allele origin: germline.
Comment: For these reasons, this variant has been classified as Pathogenic. This variant has not been reported in the literature in individuals affected with ACSF3-related conditions. This variant is not present in population databases (gnomAD no frequency). This sequence change creates a premature translational stop signal (p.Trp467*) in the ACSF3 gene. It is expected to result in an absent or disrupted protein product. Loss-of-function variants in ACSF3 are known to be pathogenic (PMID: 21841779, 26827111).

Literature cited by the submitters: PubMed 21841779 (cited by Labcorp Genetics (formerly Invitae), Labcorp); PubMed 26827111 (cited by Labcorp Genetics (formerly Invitae), Labcorp).